The following is an entry in ClinVar:

ClinVar aggregate classification (germline): Benign/Likely benign. Review status: criteria provided, multiple submitters, no conflicts (2 of 4 stars). 8 submissions from 8 submitters: Benign (6); Likely benign (1). 1 of the submissions does not count toward it. Last evaluated 2026-07-01.

Conditions:
Succinate-semialdehyde dehydrogenase deficiency (SSADHD). Also called: Succinic Semialdehyde Dehydrogenase Deficiency; 4-HYDROXYBUTYRIC ACIDURIA; SSADH DEFICIENCY; GABA METABOLIC DEFECT. Identifiers: Orphanet 22, MedGen C0268631, MONDO:0010083, OMIM 271980.
ALDH5A1-related disorder. Also called: ALDH5A1-related condition.

Allele frequency attached by ClinVar (database versions not stated): 1000 Genomes Project 0.00200; 1000 Genomes Project 30x 0.00203; ESP Exome Variant Server 0.00220; TOPMed 0.00343; gnomAD 0.00726 and 0.00760; gnomAD exomes 0.00769; ExAC 0.01108.
gnomAD v4.1: 8,494 of 1,319,228 alleles (0.64%); highest among the groups gnomAD compares: Non-Finnish European, 0.62%; 59 homozygotes.

Submissions (8):

CeGaT Center for Human Genetics Tuebingen
Classification: Likely benign. Last evaluated: 2026-07-01. Review status: criteria provided, single submitter. Criteria: CeGaT Center For Human Genetics Tuebingen Variant Classification Criteria Version 2. Collection method: clinical testing. Allele origin: germline. Affected: yes. Observed: 26 variant alleles.
Comment: ALDH5A1: BS2

Labcorp Genetics (formerly Invitae), Labcorp
Classification: Benign for Succinate-semialdehyde dehydrogenase deficiency. Last evaluated: 2026-02-02. Review status: criteria provided, single submitter. Criteria: Invitae Variant Classification Sherloc (09022015). Collection method: clinical testing. Allele origin: germline.

Mayo Clinic Laboratories, Mayo Clinic
Classification: Benign. Last evaluated: 2023-11-07. Review status: criteria provided, single submitter. Criteria: ACMG Guidelines, 2015. Collection method: clinical testing. Allele origin: germline. Observed: 11 variant alleles.
Comment: BA1, BS2, BP4

GeneDx
Classification: Benign. Last evaluated: 2018-08-09. Review status: criteria provided, single submitter. Criteria: GeneDx Variant Classification Process June 2021. Collection method: clinical testing. Allele origin: germline. Affected: yes.

Illumina Laboratory Services, Illumina
Classification: Benign for Succinate-semialdehyde dehydrogenase deficiency. Last evaluated: 2018-01-12. Review status: criteria provided, single submitter. Criteria: ICSL Variant Classification Criteria 13 December 2019. Collection method: clinical testing. Allele origin: germline.
Comment: This variant was observed in the ICSL laboratory as part of a predisposition screen in an ostensibly healthy population. It had not been previously curated by ICSL or reported in the Human Gene Mutation Database (HGMD: prior to June 1st, 2018), and was therefore a candidate for classification through an automated scoring system. Utilizing variant allele frequency, disease prevalence and penetrance estimates, and inheritance mode, an automated score was calculated to assess if this variant is too frequent to cause the disease. Based on the score and internal cut-off values, a variant classified as benign is not then subjected to further curation. The score for this variant resulted in a classification of benign for this disease.

Eurofins Ntd Llc (ga)
Classification: Benign. Last evaluated: 2016-07-05. Review status: criteria provided, single submitter. Criteria: EGL Classification Definitions 2015. Collection method: clinical testing. Allele origin: germline. Observed: 2 variant alleles, 2 heterozygotes.

Genetic Services Laboratory, University of Chicago
Classification: Benign. Last evaluated: 2015-09-03. Review status: criteria provided, single submitter. Criteria: ACMG Guidelines, 2015. Collection method: clinical testing. Allele origin: germline. Affected: no.

PreventionGenetics, part of Exact Sciences
Classification: Benign for ALDH5A1-related condition. Last evaluated: 2019-06-26. Review status: no assertion criteria provided. Collection method: clinical testing. Allele origin: germline. Not counted in ClinVar's aggregate classification.
Comment: This variant is classified as benign based on ACMG/AMP sequence variant interpretation guidelines (Richards et al. 2015 PMID: 25741868, with internal and published modifications).

NM_001080.3(ALDH5A1):c.10T>G (p.Cys4Gly)

Genes: ALDH5A1 (aldehyde dehydrogenase 5 family member A1; plus strand), GPLD1 (glycosylphosphatidylinositol specific phospholipase D1; minus strand), LOC129995978 (ATAC-STARR-seq lymphoblastoid silent region 16989; plus strand). Cytogenetic location: 6p22.3.
Variant type: single nucleotide variant.
Coding change: c.10T>G on transcript NM_001080.3 (MANE Select); coding-DNA position 10, T replaced by G.
Protein change: p.Cys4Gly; replaces cysteine 4 with glycine.
Molecular consequence: missense variant.
Genome position (GRCh38, 1-based): chr6:24,495,006, T>G. VCF-style: chr6-24495006-T-G. GRCh37 (hg19) VCF-style: chr6-24495234-T-G.
Other names: p.Cys4Gly; c.10T>G, p.Cys4Gly (NM_001368954.1, NM_170740.1); short protein forms C4G.
Identifiers: ClinVar variation 288703 (VCV000288703.54), dbSNP rs200793796, ClinGen allele CA3656548.